The following is an entry in ClinVar:

NM_024006.6(VKORC1):c.229A>T (p.Asn77Tyr)

Gene: VKORC1 (vitamin K epoxide reductase complex subunit 1; minus strand). Cytogenetic location: 16p11.2.
Variant type: single nucleotide variant.
Coding change: c.229A>T on transcript NM_024006.6 (MANE Select); coding-DNA position 229, A replaced by T.
Protein change: p.Asn77Tyr; replaces asparagine 77 with tyrosine.
Molecular consequence: missense variant. On other transcripts: intron variant (1).
Genome position (GRCh38, 1-based): chr16:31,093,366, T>A on the plus strand (A>T on the coding strand, the complement: VKORC1 is on the minus strand). VCF-style: chr16-31093366-T-A. GRCh37 (hg19) VCF-style: chr16-31104687-T-A.
Other names: p.Asn77Tyr; c.229A>T, p.Asn77Tyr (NM_001311311.2); c.173+1191A>T (NM_206824.3); short protein forms N77Y.
Identifiers: ClinVar variation 3381146 (VCV003381146.1).

ClinVar aggregate classification (germline): Likely pathogenic (1 of 4 stars; one submission).

gnomAD v4.1: 3 of 1,614,156 alleles (0.00019%); highest among the groups gnomAD compares: Admixed American, 0.005%; no homozygotes.

Submission:

Mayo Clinic Laboratories, Mayo Clinic
Classification: Likely pathogenic. Last evaluated: 2024-07-25. Review status: criteria provided, single submitter. Criteria: ACMG Guidelines, 2015. Collection method: clinical testing. Allele origin: germline. Observed: 1 variant allele.
Comment: PP3, PM2, PS3

Literature cited by the submitters: PubMed 20946155; PubMed 23039877; PubMed 23982176.